The following is an entry in ClinVar:

ClinVar aggregate classification (germline): Uncertain significance. Review status: criteria provided, multiple submitters, no conflicts (2 of 4 stars). 3 submissions from 3 submitters: Uncertain significance (3). Last evaluated 2026-04-30.

Conditions:
Thyroid cancer, nonmedullary, 2 (NMTC2). Also called: THYROID CARCINOMA, FOLLICULAR; THYROID CANCER, NONMEDULLARY, 2, SUSCEPTIBILITY TO; Thyroid carcinoma, follicular, somatic. Identifiers: MedGen C4225426, MONDO:0008566, OMIM 188470.
Large congenital melanocytic nevus (CMNS). Also called: Giant hairy nevus; Bathing trunk nevus; Congenital giant pigmented nevus; PIGMENTED MOLES; MELANOCYTIC NEVUS SYNDROME, CONGENITAL, SOMATIC; Giant congenital nevus. Identifiers: Orphanet 626, MedGen C1842036, MONDO:0044792, OMIM 137550, HP:0005600.
Linear nevus sebaceous syndrome. Also called: JADASSOHN NEVUS PHAKOMATOSIS; NEVUS SEBACEUS OF JADASSOHN; ORGANOID NEVUS PHAKOMATOSIS; SFM SYNDROME; Nevus, Sebaceous of Jadassohn; SCHIMMELPENNING-FEUERSTEIN-MIMS SYNDROME, SOMATIC MOSAIC. Identifiers: Orphanet 2612, MedGen C4552097, MONDO:0008097, OMIM 163200, HP:0010817.
Malignant tumor of urinary bladder. Also called: Urinary Bladder Neoplasms; Bladder cancer; Urinary bladder cancer. Identifiers: MedGen C0005684, MONDO:0001187, OMIM 109800.
Costello syndrome (CSTLO). Also called: FACIOCUTANEOSKELETAL SYNDROME; FCS SYNDROME; HRAS-Related Costello Syndrome. Identifiers: Orphanet 3071, MedGen C0587248, MONDO:0009026, OMIM 218040.
Epidermal nevus. Also called: NEVUS, KERATINOCYTIC, NONEPIDERMOLYTIC; Nevus, epidermal, somatic. Identifiers: Orphanet 79414, MedGen C0334082, MONDO:0008093, OMIM 162900, HP:0010816.
Cardiovascular phenotype. Identifiers: MedGen CN230736.

gnomAD v4.1: 5 of 1,612,558 alleles (0.00031%); highest among the groups gnomAD compares: East Asian, 0.011%; no homozygotes.

Submissions (3):

Ambry Genetics
Classification: Uncertain significance for Cardiovascular phenotype. Last evaluated: 2026-04-30. Review status: criteria provided, single submitter. Criteria: Ambry Variant Classification Scheme 2023. Collection method: clinical testing. Allele origin: germline.
Comment: The p.C184G variant (also known as c.550T>G), located in coding exon 4 of the HRAS gene, results from a T to G substitution at nucleotide position 550. The cysteine at codon 184 is replaced by glycine, an amino acid with highly dissimilar properties. This amino acid position is conserved. In addition, the in silico prediction for this alteration is inconclusive. Based on the available evidence, the clinical significance of this variant remains unclear.

Labcorp Genetics (formerly Invitae), Labcorp
Classification: Uncertain significance for Costello syndrome. Last evaluated: 2025-03-16. Review status: criteria provided, single submitter. Criteria: Invitae Variant Classification Sherloc (09022015). Collection method: clinical testing. Allele origin: germline.
Comment: This sequence change replaces cysteine, which is neutral and slightly polar, with glycine, which is neutral and non-polar, at codon 184 of the HRAS protein (p.Cys184Gly). This variant is not present in population databases (gnomAD no frequency). This variant has not been reported in the literature in individuals affected with HRAS-related conditions. ClinVar contains an entry for this variant (Variation ID: 3599788). Invitae Evidence Modeling of protein sequence and biophysical properties (such as structural, functional, and spatial information, amino acid conservation, physicochemical variation, residue mobility, and thermodynamic stability) indicates that this missense variant is not expected to disrupt HRAS protein function with a negative predictive value of 95%. In summary, the available evidence is currently insufficient to determine the role of this variant in disease. Therefore, it has been classified as a Variant of Uncertain Significance.

Fulgent Genetics
Classification: Uncertain significance for Malignant tumor of urinary bladder; Large congenital melanocytic nevus; Epidermal nevus; Linear nevus sebaceous syndrome; Thyroid cancer, nonmedullary, 2; Costello syndrome. Last evaluated: 2024-06-21. Review status: criteria provided, single submitter. Criteria: ACMG Guidelines, 2015. Collection method: clinical testing. Allele origin: germline.

NM_005343.4(HRAS):c.550T>G (p.Cys184Gly)

Genes: HRAS (HRas proto-oncogene, GTPase; minus strand), LRRC56 (leucine rich repeat containing 56; plus strand). Cytogenetic location: 11p15.5.
Variant type: single nucleotide variant.
Coding change: c.550T>G on transcript NM_005343.4 (MANE Select); coding-DNA position 550, T replaced by G.
Protein change: p.Cys184Gly; replaces cysteine 184 with glycine.
Molecular consequence: missense variant. On other transcripts: 3 prime UTR variant (1).
Genome position (GRCh38, 1-based): chr11:532,656, A>C on the plus strand (T>G on the coding strand, the complement: HRAS is on the minus strand). VCF-style: chr11-532656-A-C. GRCh37 (hg19) VCF-style: chr11-532656-A-C.
Other names: c.550T>G, p.Cys184Gly (NM_001130442.3); c.313T>G, p.Cys105Gly (NM_001318054.2); c.*119T>G (NM_176795.5); c.550T>G (NM_005343.2); short protein forms C184G, C105G.
Identifiers: ClinVar variation 3599788 (VCV003599788.3).